The following is an entry in ClinVar:

ClinVar aggregate classification (germline): Uncertain significance (1 of 4 stars; one submission).

Conditions:
Hereditary cancer-predisposing syndrome. Also called: Tumor predisposition; Hereditary neoplastic syndrome; Hereditary Cancer Syndrome; Neoplastic Syndromes, Hereditary. Identifiers: Orphanet 140162, MedGen C0027672, MeSH D009386, MONDO:0015356.

Submission:

Ambry Genetics
Classification: Uncertain significance for Hereditary cancer-predisposing syndrome. Last evaluated: 2023-11-08. Review status: criteria provided, single submitter. Criteria: Ambry Variant Classification Scheme 2023. Collection method: clinical testing. Allele origin: germline.
Comment: The p.K726N variant (also known as c.2178G>T), located in coding exon 8 of the BLM gene, results from a G to T substitution at nucleotide position 2178. The lysine at codon 726 is replaced by asparagine, an amino acid with similar properties. This amino acid position is conserved. In addition, this alteration is predicted to be tolerated by in silico analysis. Since supporting evidence is limited at this time, the clinical significance of this alteration remains unclear.

NM_000057.4(BLM):c.2178G>T (p.Lys726Asn)

Gene: BLM (BLM RecQ like helicase; plus strand). Cytogenetic location: 15q26.1.
Variant type: single nucleotide variant.
Coding change: c.2178G>T on transcript NM_000057.4 (MANE Select); coding-DNA position 2178, G replaced by T.
Protein change: p.Lys726Asn; replaces lysine 726 with asparagine.
Molecular consequence: missense variant.
Genome position (GRCh38, 1-based): chr15:90,765,399, G>T. VCF-style: chr15-90765399-G-T. GRCh37 (hg19) VCF-style: chr15-91308629-G-T.
Other names: c.2178G>T, p.Lys726Asn (NM_001287246.2, NM_001287247.2); c.1053G>T, p.Lys351Asn (NM_001287248.2); short protein forms K351N, K726N.
Identifiers: ClinVar variation 3224171 (VCV003224171.1), dbSNP rs2505441807, ClinGen allele CA393844722.